The following is an entry in ClinVar:

ClinVar aggregate classification (germline): Uncertain significance (1 of 4 stars; one submission).

Submission:

Labcorp Genetics (formerly Invitae), Labcorp
Classification: Uncertain significance. Last evaluated: 2022-06-23. Review status: criteria provided, single submitter. Criteria: Invitae Variant Classification Sherloc (09022015). Collection method: clinical testing. Allele origin: germline.
Comment: In summary, the available evidence is currently insufficient to determine the role of this variant in disease. Therefore, it has been classified as a Variant of Uncertain Significance. This variant has not been reported in the literature in individuals affected with DLC1-related conditions. This variant is a gross deletion of the genomic region encompassing exon(s) 2 of the DLC1 gene, which includes the initiator codon. This deletion extends beyond the assayed region for this gene and therefore may encompass additional genes. It is expected to result in an absent or disrupted protein product. However, the current clinical and genetic evidence is not sufficient to establish whether loss-of-function variants in DLC1 cause disease.

NC_000008.10:g.(?_13356538)_(13357580_?)del

Gene: DLC1 (DLC1 Rho GTPase activating protein; minus strand). Cytogenetic location: 8p22.
Variant type: Deletion.
Identifiers: ClinVar variation 2427591 (VCV002427591.2).